The following is an entry in ClinVar:

ClinVar aggregate classification (germline): Benign. Review status: criteria provided, multiple submitters, no conflicts (2 of 4 stars). 5 submissions from 5 submitters: Benign (5). Last evaluated 2026-02-01.

Allele frequency attached by ClinVar (database versions not stated): 1000 Genomes Project 0.02097; 1000 Genomes Project 30x 0.02280; gnomAD 0.03568 and 0.03634; gnomAD exomes 0.03698 and 0.04970; TOPMed 0.03842; ESP Exome Variant Server 0.04174; ExAC 0.06011.

Submissions (5):

Labcorp Genetics (formerly Invitae), Labcorp
Classification: Benign. Last evaluated: 2026-02-01. Review status: criteria provided, single submitter. Criteria: Invitae Variant Classification Sherloc (09022015). Collection method: clinical testing. Allele origin: germline.

Mayo Clinic Laboratories, Mayo Clinic
Classification: Benign. Last evaluated: 2021-02-19. Review status: criteria provided, single submitter. Criteria: ACMG Guidelines, 2015. Collection method: clinical testing. Allele origin: germline. Observed: 22 variant alleles.

GeneDx
Classification: Benign. Last evaluated: 2017-08-25. Review status: criteria provided, single submitter. Criteria: GeneDx Variant Classification (06012015). Collection method: clinical testing. Allele origin: germline. Affected: yes.
Comment: This variant is considered likely benign or benign based on one or more of the following criteria: it is a conservative change, it occurs at a poorly conserved position in the protein, it is predicted to be benign by multiple in silico algorithms, and/or has population frequency not consistent with disease.

Laboratory for Molecular Medicine, Mass General Brigham Personalized Medicine
Classification: Benign. Last evaluated: 2014-11-24. Review status: criteria provided, single submitter. Criteria: LMM Criteria. Collection method: clinical testing. Allele origin: germline. Observed: 91 variant alleles.
Comment: Asn1678Ser in exon 43 of OTOGL: This variant is not expected to have clinical si gnificance because it has been identified in 5.5% (451/8174) of European America n chromosomes from a broad population by the NHLBI Exome Sequencing Project (dbSNP rs61735664).

Breakthrough Genomics
Classification: Benign. Review status: criteria provided, single submitter. Criteria: ACMG Guidelines, 2015. Collection method: not provided. Allele origin: germline. Inheritance: Autosomal recessive inheritance. Affected: yes.

NM_001378609.3(OTOGL):c.5060A>G (p.Asn1687Ser)

Gene: OTOGL (otogelin like; plus strand). Cytogenetic location: 12q21.31.
Variant type: single nucleotide variant.
Coding change: c.5060A>G on transcript NM_001378609.3 (MANE Select); coding-DNA position 5060, A replaced by G.
Protein change: p.Asn1687Ser; replaces asparagine 1687 with serine.
Molecular consequence: missense variant.
Genome position (GRCh38, 1-based): chr12:80,341,957, A>G. VCF-style: chr12-80341957-A-G. GRCh37 (hg19) VCF-style: chr12-80735737-A-G.
Other names: c.4925A>G, p.Asn1642Ser (NM_001368062.3); c.5060A>G, p.Asn1687Ser (NM_001378610.3, NM_173591.7); short protein forms N1678S, N1642S, N1687S.
Identifiers: ClinVar variation 226950 (VCV000226950.15), dbSNP rs61735664, ClinGen allele CA6701627.
Genomic context (GRCh38, chr12:80,341,957, plus strand): 5'-GTCTACATTAGTTTAAGTTTTTTTCTTCTAACTGTCATATATTCTTTCAAGGAATTTGCA[A>G]TGAAGATCCGGATGATGATCTAAGGATGCAAAATGGCACAATTATTACAAATATGGAAGA-3'
Protein context (NP_001365538.2, residues 1677-1697): SYTEGLCGIC[Asn1687Ser]EDPDDDLRMQ